The following is an entry in ClinVar:

NM_024079.5(ALG8):c.7G>A (p.Ala3Thr)

Gene: ALG8 (ALG8 alpha-1,3-glucosyltransferase; minus strand). Cytogenetic location: 11q14.1.
Variant type: single nucleotide variant.
Coding change: c.7G>A on transcript NM_024079.5 (MANE Select); coding-DNA position 7, G replaced by A.
Protein change: p.Ala3Thr; replaces alanine 3 with threonine.
Molecular consequence: missense variant. On other transcripts: 5 prime UTR variant (7), non-coding transcript variant (2).
Genome position (GRCh38, 1-based): chr11:78,139,582, C>T on the plus strand (G>A on the coding strand, the complement: ALG8 is on the minus strand). VCF-style: chr11-78139582-C-T. GRCh37 (hg19) VCF-style: chr11-77850628-C-T.
Other names: c.7G>A, p.Ala3Thr (NM_001007027.3, NM_001425219.1, NM_001425220.1 and 16 more transcripts); c.-68G>A (NM_001425226.1, NM_001425235.1, NM_001425236.1); c.-223G>A (NM_001425234.1); c.-376G>A (NM_001425239.1); c.-506G>A (NM_001425241.1); c.-544G>A (NM_001425242.1); short protein forms A3T.
Identifiers: ClinVar variation 3708991 (VCV003708991.2).

ClinVar aggregate classification (germline): Uncertain significance (1 of 4 stars; one submission).

Conditions:
ALG8 congenital disorder of glycosylation. Also called: ALG8-CDG; CONGENITAL DISORDER OF GLYCOSYLATION, TYPE Ih; CDG Ih. Identifiers: Orphanet 79325, MedGen C2931002, MONDO:0011969, OMIM 608104.

Submission:

Labcorp Genetics (formerly Invitae), Labcorp
Classification: Uncertain significance for ALG8 congenital disorder of glycosylation. Last evaluated: 2024-12-08. Review status: criteria provided, single submitter. Criteria: Invitae Variant Classification Sherloc (09022015). Collection method: clinical testing. Allele origin: germline.
Comment: This sequence change replaces alanine, which is neutral and non-polar, with threonine, which is neutral and polar, at codon 3 of the ALG8 protein (p.Ala3Thr). This variant is not present in population databases (gnomAD no frequency). This variant has not been reported in the literature in individuals affected with ALG8-related conditions. An algorithm developed to predict the effect of missense changes on protein structure and function (PolyPhen-2) suggests that this variant is likely to be tolerated. In summary, the available evidence is currently insufficient to determine the role of this variant in disease. Therefore, it has been classified as a Variant of Uncertain Significance.